The following is an entry in ClinVar:

ClinVar aggregate classification (germline): Uncertain significance (1 of 4 stars; one submission).

gnomAD v4.1: 2 of 1,612,988 alleles (0.00012%); highest among the groups gnomAD compares: Non-Finnish European, 0.00017%; no homozygotes.

Submission:

Dasa
Classification: Uncertain significance. Last evaluated: 2025-10-17. Review status: criteria provided, single submitter. Criteria: DASA Assertion Criteria. Collection method: clinical testing. Allele origin: germline.
Comment: NM_003482.4(KMT2D):c.11189T>C (p.Leu3730Pro) is a missense variant that results in the substitution of leucine with proline. This variant is rare in population databases. The currently available literature and clinical evidence are not sufficient to establish a definitive association between this variant and the reported condition. Therefore, this variant is classified as a variant of uncertain significance.

NM_003482.4(KMT2D):c.11189T>C (p.Leu3730Pro)

Gene: KMT2D (lysine methyltransferase 2D; minus strand). Cytogenetic location: 12q13.12.
Variant type: single nucleotide variant.
Coding change: c.11189T>C on transcript NM_003482.4 (MANE Select); coding-DNA position 11189, T replaced by C.
Protein change: p.Leu3730Pro; replaces leucine 3730 with proline.
Molecular consequence: missense variant.
Genome position (GRCh38, 1-based): chr12:49,033,516, A>G on the plus strand (T>C on the coding strand, the complement: KMT2D is on the minus strand). VCF-style: chr12-49033516-A-G. GRCh37 (hg19) VCF-style: chr12-49427299-A-G.
Other names: short protein forms L3730P.
Identifiers: ClinVar variation 4882788 (VCV004882788.2).